The following is an entry in ClinVar:

NM_000179.3(MSH6):c.3119_3133delinsAT (p.Phe1040fs)

Gene: MSH6 (mutS homolog 6; plus strand). Cytogenetic location: 2p16.3.
Variant type: Indel.
Coding change: c.3119_3133delinsAT on transcript NM_000179.3 (MANE Select); coding-DNA positions 3119 to 3133, TTGATAAAAATTACA replaced by AT.
Protein change: p.Phe1040fs; shifts the reading frame from phenylalanine 1040.
Molecular consequence: frameshift variant.
Genome position (GRCh38, 1-based): chr2:47,801,102-47,801,116, TTGATAAAAATTACA replaced by AT. VCF-style: chr2-47801102-TTGATAAAAATTACA-AT. GRCh37 (hg19) VCF-style: chr2-48028241-TTGATAAAAATTACA-AT.
Other names: c.2729_2743delinsAT, p.Phe910fs (NM_001281492.2); c.2213_2227delinsAT, p.Phe738fs (NM_001281493.2, NM_001281494.2); short protein forms F738fs, F1040fs, F910fs.
Identifiers: ClinVar variation 428419 (VCV000428419.5), dbSNP rs1114167781, ClinGen allele CA645369284.

ClinVar aggregate classification (germline): Pathogenic (1 of 4 stars; one submission).

Conditions:
Hereditary cancer-predisposing syndrome. Also called: Hereditary Cancer Syndrome; Neoplastic Syndromes, Hereditary; Hereditary neoplastic syndrome; Tumor predisposition. Identifiers: Orphanet 140162, MedGen C0027672, MeSH D009386, MONDO:0015356.

Submission:

Ambry Genetics
Classification: Pathogenic for Hereditary cancer-predisposing syndrome. Last evaluated: 2022-04-27. Review status: criteria provided, single submitter. Criteria: Ambry Variant Classification Scheme 2023. Collection method: clinical testing. Allele origin: germline.
Comment: The c.3119_3133del15insAT pathogenic mutation, located in coding exon 4 of the MSH6 gene, results from the deletion of 15 nucleotides and insertion of two nucleotides causing a translational frameshift with a predicted alternate stop codon (p.F1040Yfs*8). This alteration has been observed in at least one individual with a personal and/or family history that meets Amsterdam I/II criteria (Ambry internal data). This alteration is expected to result in loss of function by premature protein truncation or nonsense-mediated mRNA decay. As such, this alteration is interpreted as a disease-causing mutation.